The following is an entry in ClinVar:

NM_194248.3(OTOF):c.3733+1G>A

Gene: OTOF (otoferlin; minus strand). Cytogenetic location: 2p23.3.
Variant type: single nucleotide variant.
Coding change: c.3733+1G>A on transcript NM_194248.3 (MANE Select); the canonical splice donor site of the intron after coding-DNA position 3733, G replaced by A.
Molecular consequence: splice donor variant.
Genome position (GRCh38, 1-based): chr2:26,473,131, C>T on the plus strand (G>A on the coding strand, the complement: OTOF is on the minus strand). VCF-style: chr2-26473131-C-T. GRCh37 (hg19) VCF-style: chr2-26695999-C-T.
Other names: c.3733+1G>A (NM_001287489.2); c.1492+1G>A (NM_194323.3, NM_004802.4); c.1663+1G>A (NM_194322.3).
Identifiers: ClinVar variation 3006249 (VCV003006249.3), dbSNP rs773465087, ClinGen allele CA1563464.

ClinVar aggregate classification (germline): Likely pathogenic (1 of 4 stars; one submission).

Allele frequency attached by ClinVar (database versions not stated): ExAC 0.00001; gnomAD 0.00001; gnomAD exomes 0.00001; TOPMed 0.00001.
gnomAD v4.1: 8 of 1,611,436 alleles (0.0005%); highest among the groups gnomAD compares: Non-Finnish European, 0.00068%; no homozygotes.

Submission:

Labcorp Genetics (formerly Invitae), Labcorp
Classification: Likely pathogenic. Last evaluated: 2023-07-19. Review status: criteria provided, single submitter. Criteria: Invitae Variant Classification Sherloc (09022015). Collection method: clinical testing. Allele origin: germline.
Comment: This sequence change affects a donor splice site in intron 29 of the OTOF gene. It is expected to disrupt RNA splicing. Variants that disrupt the donor or acceptor splice site typically lead to a loss of protein function (PMID: 16199547), and loss-of-function variants in OTOF are known to be pathogenic (PMID: 18381613, 19250381, 22575033). This variant is not present in population databases (gnomAD no frequency). This variant has not been reported in the literature in individuals affected with OTOF-related conditions. Algorithms developed to predict the effect of sequence changes on RNA splicing suggest that this variant may disrupt the consensus splice site. In summary, the currently available evidence indicates that the variant is pathogenic, but additional data are needed to prove that conclusively. Therefore, this variant has been classified as Likely Pathogenic.

Literature cited by the submitters: PubMed 16199547; PubMed 18381613; PubMed 19250381; PubMed 22575033.